The following is an entry in ClinVar:

NM_000466.3(PEX1):c.1762_1763delinsTT (p.Ala588Leu)

Gene: PEX1 (peroxisomal biogenesis factor 1; minus strand). Cytogenetic location: 7q21.2.
Variant type: Indel.
Coding change: c.1762_1763delinsTT on transcript NM_000466.3 (MANE Select); coding-DNA positions 1762 to 1763, GC replaced by TT.
Protein change: p.Ala588Leu; replaces alanine 588 with leucine.
Molecular consequence: missense variant.
Genome position (GRCh38, 1-based): chr7:92,507,034-92,507,035, GC replaced by AA on the plus strand (GC replaced by TT on the coding strand, the reverse complement: PEX1 is on the minus strand). VCF-style: chr7-92507034-GC-AA. GRCh37 (hg19) VCF-style: chr7-92136348-GC-AA.
Other names: c.1762_1763delinsTT, p.Ala588Leu (NM_001282677.2); c.1138_1139delinsTT, p.Ala380Leu (NM_001282678.2); short protein forms A380L, A588L.
Identifiers: ClinVar variation 3346869 (VCV003346869.1).
Genomic context (GRCh38, chr7:92,507,034, plus strand): 5'-AACACACCTTAACCACTTACCTTTCCTCCTGTGAGTAAAAGAGCTCCATTCCTAAGTCCT[GC>AA]AACAAGAGACATCAGCTGCCGAGACAAAGGGCGTCCCAGGAGGCTGTGAGTGATGTGCTC-3'
Protein context (NP_000457.1, residues 578-598): PLSRQLMSLV[Ala588Leu]GLRNGALLLT

ClinVar aggregate classification (germline): Uncertain significance (0 of 4 stars; one submission).

Conditions:
PEX1-related disorder. Also called: PEX1-related condition.

Submission:

PreventionGenetics, part of Exact Sciences
Classification: Uncertain significance for PEX1-related condition. Last evaluated: 2024-06-05. Review status: no assertion criteria provided. Collection method: clinical testing. Allele origin: germline.
Comment: The PEX1 c.1762_1763delinsTT variant is predicted to result in an in-frame deletion and insertion. To our knowledge, this variant has not been reported in the literature or in a large population database, indicating this variant is rare. At this time, the clinical significance of this variant is uncertain due to the absence of conclusive functional and genetic evidence.